The following is an entry in ClinVar:

ClinVar aggregate classification (germline): Uncertain significance (1 of 4 stars; one submission).

Submission:

Labcorp Genetics (formerly Invitae), Labcorp
Classification: Uncertain significance. Last evaluated: 2024-11-25. Review status: criteria provided, single submitter. Criteria: Invitae Variant Classification Sherloc (09022015). Collection method: clinical testing. Allele origin: germline.
Comment: This sequence change replaces methionine, which is neutral and non-polar, with isoleucine, which is neutral and non-polar, at codon 441 of the SLC16A1 protein (p.Met441Ile). This variant is not present in population databases (gnomAD no frequency). This variant has not been reported in the literature in individuals affected with SLC16A1-related conditions. An algorithm developed to predict the effect of missense changes on protein structure and function (PolyPhen-2) suggests that this variant is likely to be disruptive. Algorithms developed to predict the effect of sequence changes on RNA splicing suggest that this variant may create or strengthen a splice site. In summary, the available evidence is currently insufficient to determine the role of this variant in disease. Therefore, it has been classified as a Variant of Uncertain Significance.

NM_003051.4(SLC16A1):c.1323G>A (p.Met441Ile)

Gene: SLC16A1 (solute carrier family 16 member 1; minus strand). Cytogenetic location: 1p13.2.
Variant type: single nucleotide variant.
Coding change: c.1323G>A on transcript NM_003051.4 (MANE Select); coding-DNA position 1323, G replaced by A.
Protein change: p.Met441Ile; replaces methionine 441 with isoleucine.
Molecular consequence: missense variant.
Genome position (GRCh38, 1-based): chr1:112,914,071, C>T on the plus strand (G>A on the coding strand, the complement: SLC16A1 is on the minus strand). VCF-style: chr1-112914071-C-T. GRCh37 (hg19) VCF-style: chr1-113456693-C-T.
Other names: c.1323G>A, p.Met441Ile (NM_001166496.2); short protein forms M441I.
Identifiers: ClinVar variation 3722285 (VCV003722285.2).
Genomic context (GRCh38, chr1:112,914,071, plus strand): 5'-ACTTTCCTTTTTCTGCTCGTTTGCTTTCTGTTCTTTTGCCAAAAGTCGATAATTGATGCC[C>T]ATGCCAATGAAGAGATAGATACCTGAAATAATTAGGACGACGCCACATGCCCAGTATGTG-3'
Protein context (NP_003042.3, residues 431-451): IISGIYLFIG[Met441Ile]GINYRLLAKE